The following is an entry in ClinVar:

ClinVar aggregate classification (germline): Uncertain significance (1 of 4 stars; one submission).

Submission:

Labcorp Genetics (formerly Invitae), Labcorp
Classification: Uncertain significance. Last evaluated: 2024-07-10. Review status: criteria provided, single submitter. Criteria: Invitae Variant Classification Sherloc (09022015). Collection method: clinical testing. Allele origin: germline.
Comment: This sequence change replaces aspartic acid, which is acidic and polar, with glutamic acid, which is acidic and polar, at codon 85 of the AVPR2 protein (p.Asp85Glu). This variant is not present in population databases (gnomAD no frequency). This missense change has been observed in individual(s) with nephrogenic diabetes insipidus (PMID: 23150186). Advanced modeling of protein sequence and biophysical properties (such as structural, functional, and spatial information, amino acid conservation, physicochemical variation, residue mobility, and thermodynamic stability) performed at Invitae indicates that this missense variant is expected to disrupt AVPR2 protein function with a positive predictive value of 80%. This variant disrupts the p.Asp85 amino acid residue in AVPR2. Other variant(s) that disrupt this residue have been determined to be pathogenic (PMID: 7933835, 20459358, 34101133). This suggests that this residue is clinically significant, and that variants that disrupt this residue are likely to be disease-causing. In summary, the available evidence is currently insufficient to determine the role of this variant in disease. Therefore, it has been classified as a Variant of Uncertain Significance.

Literature cited by the submitters: PubMed 23150186; PubMed 7933835; PubMed 20459358; PubMed 34101133.

NM_000054.7(AVPR2):c.255C>A (p.Asp85Glu)

Gene: AVPR2 (arginine vasopressin receptor 2; plus strand). Cytogenetic location: Xq28.
Variant type: single nucleotide variant.
Coding change: c.255C>A on transcript NM_000054.7 (MANE Select); coding-DNA position 255, C replaced by A.
Protein change: p.Asp85Glu; replaces aspartic acid 85 with glutamic acid.
Molecular consequence: missense variant.
Genome position (GRCh38, 1-based): chrX:153,905,761, C>A. VCF-style: chrX-153905761-C-A. GRCh37 (hg19) VCF-style: chrX-153171215-C-A.
Other names: c.255C>A, p.Asp85Glu (NM_001146151.3); short protein forms D85E.
Identifiers: ClinVar variation 3724653 (VCV003724653.2).